The following is an entry in ClinVar:

NM_001366110.1(PAX4):c.13+9C>T

Gene: PAX4 (paired box 4; minus strand). Cytogenetic location: 7q32.1.
Variant type: single nucleotide variant.
Coding change: c.13+9C>T on transcript NM_001366110.1 (MANE Select); 9 bases into the intron after coding-DNA position 13, C replaced by T.
Molecular consequence: intron variant.
Genome position (GRCh38, 1-based): chr7:127,615,907, G>A on the plus strand (C>T on the coding strand, the complement: PAX4 is on the minus strand). VCF-style: chr7-127615907-G-A. GRCh37 (hg19) VCF-style: chr7-127255961-G-A.
Other names: c.13+9C>T (NM_001366111.1).
Identifiers: ClinVar variation 3061473 (VCV003061473.2), dbSNP rs1241344623, ClinGen allele CA2684749935.

ClinVar aggregate classification (germline): Likely benign (0 of 4 stars; one submission).

Conditions:
PAX4-related disorder. Also called: PAX4-related condition.

Submission:

PreventionGenetics, part of Exact Sciences
Classification: Likely benign for PAX4-related condition. Last evaluated: 2022-06-28. Review status: no assertion criteria provided. Collection method: clinical testing. Allele origin: germline.
Comment: This variant is classified as likely benign based on ACMG/AMP sequence variant interpretation guidelines (Richards et al. 2015 PMID: 25741868, with internal and published modifications).